The following is an entry in ClinVar:

ClinVar aggregate classification (germline): Pathogenic (1 of 4 stars; one submission).

Conditions:
Neurodevelopmental disorder. Identifiers: MedGen C1535926, MeSH D065886, MONDO:0700092.

Submission:

Victorian Clinical Genetics Services, Murdoch Childrens Research Institute
Classification: Pathogenic for Neurodevelopmental disorder. Last evaluated: 2024-11-26. Review status: criteria provided, single submitter. Criteria: ACMG Guidelines, 2015. Collection method: clinical testing. Allele origin: germline. Affected: yes.
Comment: This variant is classified as Pathogenic. Evidence in support of pathogenic classification: Variant is predicted to cause nonsense-mediated decay (NMD) and loss of protein (premature termination codon is located at least 54 nucleotides upstream of the final exon-exon junction); Variant is absent from gnomAD (v2, v3 and v4); Other NMD-predicted variant(s) comparable to the one identified in this case have very strong previous evidence for pathogenicity (DECIPHER). Additional information: This variant is heterozygous; This gene is associated with both recessive and dominant disease. Biallelic pathogenic variants are associated with a more severe, syndromic intellectual disability (PMID: 29276005; DECIPHER). Individuals with heterozygous variants have also been reported with developmental delay, intellectual disability, and/or autistic features (PMID: 29276005, 30217758, 30409806); This variant has no previous evidence of pathogenicity; No published segregation evidence has been identified for this variant; No published functional evidence has been identified for this variant; Loss of function is a known mechanism of disease in this gene and is associated with autosomal recessive intellectual disability 65 (MIM#618109) and autosomal dominant neurodevelopmental disorder (MONDO:0700092), KDM5B-related; The condition associated with this gene has incomplete penetrance. While the recessive condition is fully penetrant, incomplete penetrance has been suggested for the autosomal dominant condition. Unaffected heterozygotes harbouring loss of function variants have been reported (PMID: 30217758, 30409806); Variants in this gene are known to have variable expressivity (PMID: 39202393).

Literature cited by the submitters: PubMed 30409806; PubMed 29276005; PubMed 30217758; PubMed 39202393.

NM_006618.5(KDM5B):c.2446C>T (p.Gln816Ter)

Gene: KDM5B (lysine demethylase 5B; minus strand). Cytogenetic location: 1q32.1.
Variant type: single nucleotide variant.
Coding change: c.2446C>T on transcript NM_006618.5 (MANE Select); coding-DNA position 2446, C replaced by T.
Protein change: p.Gln816Ter; replaces glutamine 816 with a stop codon.
Molecular consequence: nonsense.
Genome position (GRCh38, 1-based): chr1:202,742,683, G>A on the plus strand (C>T on the coding strand, the complement: KDM5B is on the minus strand). VCF-style: chr1-202742683-G-A. GRCh37 (hg19) VCF-style: chr1-202711811-G-A.
Other names: c.2554C>T, p.Gln852Ter (NM_001314042.2); c.2311C>T, p.Gln771Ter (NM_001347591.2); c.2431C>T, p.Gln811Ter (NM_001399817.1); short protein forms Q771*, Q811*, Q816*, Q852*.
Identifiers: ClinVar variation 4531371 (VCV004531371.1).